The following is an entry in ClinVar:

ClinVar aggregate classification (germline): Pathogenic. Review status: reviewed by expert panel (3 of 4 stars). 21 submissions from 21 submitters: Pathogenic (1). 20 of the submissions do not count toward it. Last evaluated 2019-06-21.

Conditions:
PMS2-related disorder. Also called: PMS2-related condition.
Mismatch repair cancer syndrome 4. Identifiers: MedGen C5436817, MONDO:0030843, OMIM 619101.
Lynch syndrome 4 (LYNCH4). Also called: Colorectal cancer, hereditary nonpolyposis, type 4; Hereditary non-polyposis colorectal cancer, type 4. Identifiers: Orphanet 144, MedGen C1838333, MONDO:0013699, OMIM 614337. Disease mechanism: loss of function.
Hereditary nonpolyposis colorectal neoplasms. Identifiers: MedGen C0009405, MeSH D003123.
Hereditary cancer-predisposing syndrome. Also called: Neoplastic Syndromes, Hereditary; Tumor predisposition; Hereditary Cancer Syndrome; Hereditary neoplastic syndrome. Identifiers: Orphanet 140162, MedGen C0027672, MeSH D009386, MONDO:0015356.
Mismatch repair cancer syndrome 1 (MMRCS1). Also called: MISMATCH REPAIR DEFICIENCY; MMR DEFICIENCY; BRAIN TUMOR-POLYPOSIS SYNDROME 1; BTP1 SYNDROME; CHILDHOOD CANCER SYNDROME. Identifiers: Orphanet 252202, MedGen C5399763, MONDO:0010159, OMIM 276300. Disease mechanism: loss of function.
Lynch syndrome. Identifiers: Orphanet 144, MedGen C4552100, MONDO:0005835. Disease mechanism: loss of function.

Submissions 1 to 11 of 21:

International Society for Gastrointestinal Hereditary Tumours (InSiGHT)
Classification: Pathogenic for Lynch syndrome. Last evaluated: 2019-06-21. Review status: reviewed by expert panel. Criteria: Guidelines v2.4. Collection method: curation. Allele origin: germline. Affected: yes.
Comment: Coding sequence variation resulting in a stop codon

Otogenetics
Classification: Pathogenic for Lynch syndrome 4; Mismatch repair cancer syndrome 4. Last evaluated: 2025-11-24. Review status: criteria provided, single submitter. Criteria: ACMG Guidelines, 2015. Collection method: clinical testing. Allele origin: germline. Not counted in ClinVar's aggregate classification.
Comment: PVS1: Frameshift indel introduces premature stop codon in gene with loss of function as mechanism of disease, predicted to undergo NMD; PM2_Supporting: Variant not observed in gnomAD (<0.05% threshold); PP4_Strong: ≥3 independent CRC/Endometrial MSI-H tumors in ≥2 families using a standard panel of 5-10 markers or tumor genome and/or loss of MMR protein expression consistent with the variant location. (PMID: 27435373)

Ambry Genetics
Classification: Pathogenic for Hereditary cancer-predisposing syndrome. Last evaluated: 2025-10-14. Review status: criteria provided, single submitter. Criteria: Ambry Variant Classification Scheme 2023. Collection method: clinical testing. Allele origin: germline. Not counted in ClinVar's aggregate classification.
Comment: The c.2192_2196delTAACT (p.L731Cfs*3) alteration, located in exon 13 (coding exon 13) of the PMS2 gene, consists of a deletion of 5 nucleotides from position 2192 to 2196, causing a translational frameshift with a predicted alternate stop codon after 3 amino acids. This alteration is expected to result in loss of function by premature protein truncation or nonsense-mediated mRNA decay. The Genome Aggregation Database (gnomAD) data for this variant is unreliable due to technical and/or biological issues; therefore, population frequency estimates were not considered. This mutation has been reported in several individuals diagnosed with early onset colon cancer whose tumors showed isolated loss of PMS2 by IHC and/or microsatellite instability (Nakagawa, 2004; Hampel, 2005; Senter, 2008; van Lier, 2012; Lee, 2018; Wang, 2020). This mutation has also been reported in a patient with breast and ovarian cancer and a family history of breast and pancreatic cancer (Shirts, 2016), as a germline mutation in an ovarian cancer patient with a microsatellite unstable tumor and family history of breast and/or ovarian cancer (Jorge, 2020), and in 1/107 Macedonian individuals with a clinical history of hereditary polyposis or hereditary non-polyposis colorectal cancer who underwent multi-gene panel testing (Staninova-Stojovska, 2019). Of note, this alteration is also designated as c.2192_2196del5 in published literature. Based on the available evidence, this alteration is classified as pathogenic.

Molecular Pathology, Peter Maccallum Cancer Centre
Classification: Pathogenic for Lynch syndrome 4. Last evaluated: 2025-03-28. Review status: criteria provided, single submitter. Criteria: ACMG Guidelines, 2015. Collection method: clinical testing. Allele origin: germline. Inheritance: Autosomal dominant inheritance. Not counted in ClinVar's aggregate classification.

Labcorp Genetics (formerly Invitae), Labcorp
Classification: Pathogenic for Hereditary nonpolyposis colorectal neoplasms. Last evaluated: 2025-01-07. Review status: criteria provided, single submitter. Criteria: Invitae Variant Classification Sherloc (09022015). Collection method: clinical testing. Allele origin: germline. Not counted in ClinVar's aggregate classification.
Comment: This sequence change creates a premature translational stop signal (p.Leu731Cysfs*3) in the PMS2 gene. It is expected to result in an absent or disrupted protein product. Loss-of-function variants in PMS2 are known to be pathogenic (PMID: 21376568, 24362816). The frequency data for this variant in the population databases (gnomAD) is considered unreliable due to the presence of homologous sequence, such as pseudogenes or paralogs, in the genome. This premature translational stop signal has been observed in individual(s) with Lynch syndrome (PMID: 15872200, 20186688). Invitae Evidence Modeling of clinical and family history, age, sex, and reported ancestry of multiple individuals with this PMS2 variant has been performed. This variant is expected to be pathogenic with a positive predictive value of at least 99%. This is a validated machine learning model that incorporates the clinical features of 1,370,736 individuals referred to our laboratory for PMS2 testing. ClinVar contains an entry for this variant (Variation ID: 91331). For these reasons, this variant has been classified as Pathogenic.

Color Diagnostics, LLC DBA Color Health
Classification: Pathogenic for Hereditary cancer-predisposing syndrome. Last evaluated: 2024-09-23. Review status: criteria provided, single submitter. Criteria: ACMG Guidelines, 2015. Collection method: clinical testing. Allele origin: germline. Not counted in ClinVar's aggregate classification.
Comment: This variant deletes 5 nucleotides in exon 13 of the PMS2 gene, creating a frameshift and premature translation stop signal. This variant is expected to result in an absent or non-functional protein product. An RNA study suggests the unstable expression of the variant transcript (PMID: 20186688). This variant has been reported in at least 10 individuals affected with Lynch syndrome-associated cancers (PMID: 15256438, 15872200, 20186688, 22081473, 26845104, 27435373, 28874130, 30077346, 31942411, 31992580). This variant has not been identified in the general population by the Genome Aggregation Database (gnomAD). Loss of PMS2 function is a known mechanism of disease. Based on the available evidence, this variant is classified as Pathogenic.

Quest Diagnostics Nichols Institute San Juan Capistrano
Classification: Pathogenic. Last evaluated: 2024-08-19. Review status: criteria provided, single submitter. Criteria: Quest Diagnostics criteria. Collection method: clinical testing. Allele origin: unknown. Not counted in ClinVar's aggregate classification.
Comment: The PMS2 c.2192_2196del (p.Leu731Cysfs*3) variant alters the translational reading frame of the PMS2 mRNA and causes the premature termination of PMS2 protein synthesis. In the published literature, this variant has been reported in individuals with Lynch syndrome (PMIDs: 28874130 (2017), 18602922 (2008)), colorectal cancer (PMIDs: 36644715 (2023), 27435373 (2016), 15872200 (2005), 15256438 (2004)), breast/ovarian cancer (PMIDs: 36169650 (2022), 26845104 (2016)), and endometrial cancer (PMID: 30077346 (2018)). One study described this variant as causing nonsense-mediated decay of the variant transcript (PMID: 20186688 (2010)). The frequency of this variant in the general population, 0.0000041 (1/245278 chromosomes (Genome Aggregation Database)), is consistent with pathogenicity. Based on the available information, this variant is classified as pathogenic.

CeGaT Center for Human Genetics Tuebingen
Classification: Pathogenic. Last evaluated: 2024-07-01. Review status: criteria provided, single submitter. Criteria: CeGaT Center For Human Genetics Tuebingen Variant Classification Criteria Version 2. Collection method: clinical testing. Allele origin: germline. Affected: yes. Observed: 5 variant alleles. Not counted in ClinVar's aggregate classification.
Comment: PMS2: PVS1, PM2, PS4:Moderate

Blueprint Genetics
Classification: Pathogenic for PMS2-related disorders. Last evaluated: 2024-06-27. Review status: criteria provided, single submitter. Criteria: ACMG Guidelines, 2015. Collection method: clinical testing. Allele origin: germline. Affected: yes. Observed: 5 variant alleles. Not counted in ClinVar's aggregate classification.

Genomic Medicine Center of Excellence, King Faisal Specialist Hospital and Research Centre
Classification: Pathogenic for Mismatch repair cancer syndrome 4. Last evaluated: 2024-04-04. Review status: criteria provided, single submitter. Criteria: ACMG Guidelines, 2015. Collection method: clinical testing. Allele origin: germline. Not counted in ClinVar's aggregate classification.

Baylor Genetics
Classification: Pathogenic for Lynch syndrome 4. Last evaluated: 2023-06-07. Review status: criteria provided, single submitter. Criteria: ACMG Guidelines, 2015. Collection method: clinical testing. Allele origin: unknown. Not counted in ClinVar's aggregate classification.

NM_000535.7(PMS2):c.2192_2196del (p.Leu731fs)

Gene: PMS2 (PMS1 homolog 2, mismatch repair system component; minus strand). Cytogenetic location: 7p22.1.
Variant type: Deletion.
Coding change: c.2192_2196del on transcript NM_000535.7 (MANE Select); coding-DNA positions 2192 to 2196, 5 bases deleted (TAACT; older notation c.2192_2196delTAACT).
Protein change: p.Leu731fs; shifts the reading frame from leucine 731.
Molecular consequence: frameshift variant. On other transcripts: non-coding transcript variant (1).
Genome position (GRCh38, 1-based): chr7:5,978,675-5,978,679, AGTTA deleted on the plus strand (TAACT on the coding strand, the reverse complement: PMS2 is on the minus strand); deleting any 5 consecutive bases within chr7:5,978,675-5,978,683 gives the same sequence; the c. name uses the placement nearest the transcript's 3' end. VCF-style (leftmost placement, unchanged base first): chr7-5978674-CAGTTA-C. GRCh37 (hg19) VCF-style: chr7-6018305-CAGTTA-C.
Other names: c.1787_1791del, p.Leu596fs (NM_001322003.2, NM_001322004.2, NM_001322005.2 and 1 more transcripts); c.2036_2040del, p.Leu679fs (NM_001322006.2); c.1874_1878del, p.Leu625fs (NM_001322007.2, NM_001322008.2); c.1631_1635del, p.Leu544fs (NM_001322010.2); c.1259_1263del, p.Leu420fs (NM_001322011.2, NM_001322012.2); c.1619_1623del, p.Leu540fs (NM_001322013.2); c.2192_2196del, p.Leu731fs (NM_001322014.2); c.1883_1887del, p.Leu628fs (NM_001322015.2); and 1 more; short protein forms L420fs, L625fs, L628fs, L679fs, L540fs, L544fs, L596fs, L731fs.
Identifiers: ClinVar variation 91331 (VCV000091331.68), dbSNP rs63750695, ClinGen allele CA011049.
Genomic context (GRCh38, chr7:5,978,674, plus strand): 5'-AATCAAAGCCATTCTTTCTAAATATTTCCAGATTTTCTATCAGAACAGCTTCATTAACAG[CAGTTA>C]AGTTGAGAGTCTGAGGTCTGAAAAACACAAAAATGATTCAAACCATATCCTGAAGTCAAA-3'